The following is an entry in ClinVar:

NM_000368.5(TSC1):c.1234C>T (p.Pro412Ser)

Gene: TSC1 (TSC complex subunit 1; minus strand). Cytogenetic location: 9q34.13.
Variant type: single nucleotide variant.
Coding change: c.1234C>T on transcript NM_000368.5 (MANE Select); coding-DNA position 1234, C replaced by T.
Protein change: p.Pro412Ser; replaces proline 412 with serine.
Molecular consequence: missense variant. On other transcripts: non-coding transcript variant (5).
Genome position (GRCh38, 1-based): chr9:132,910,600, G>A on the plus strand (C>T on the coding strand, the complement: TSC1 is on the minus strand). VCF-style: chr9-132910600-G-A. GRCh37 (hg19) VCF-style: chr9-135785987-G-A.
Other names: c.1231C>T, p.Pro411Ser (NM_001406599.1, NM_001406600.1, NM_001406603.1 and 6 more transcripts); c.1234C>T, p.Pro412Ser (NM_001406601.1, NM_001406602.1, NM_001406592.1 and 7 more transcripts); c.1081C>T, p.Pro361Ser (NM_001162427.2, NM_001406610.1); c.871C>T, p.Pro291Ser (NM_001362177.2, NM_001406614.1, NM_001406615.1 and 5 more transcripts); c.1078C>T, p.Pro360Ser (NM_001406611.1, NM_001406612.1, NM_001406613.1); c.280C>T, p.Pro94Ser (NM_001406628.1, NM_001406627.1); c.181C>T, p.Pro61Ser (NM_001406629.1, NM_001406630.1); c.868C>T, p.Pro290Ser (NM_001406620.1, NM_001406621.1, NM_001406622.1 and 2 more transcripts); and 1 more; short protein forms P360S, P361S, P412S, P95S, P290S, P411S, P94S, P291S.
Identifiers: ClinVar variation 2600574 (VCV002600574.6), dbSNP rs2131939930, ClinGen allele CA375366830.

ClinVar aggregate classification (germline): Conflicting classifications of pathogenicity. Review status: criteria provided, conflicting classifications (1 of 4 stars). 2 submissions from 2 submitters: Uncertain significance (1); Likely benign (1). Last evaluated 2026-06-18.

Conditions:
Tuberous sclerosis 1 (TSC1). Identifiers: Orphanet 805, MedGen C1854465, MONDO:0008612, OMIM 191100.
Hereditary cancer-predisposing syndrome. Also called: Hereditary neoplastic syndrome; Hereditary Cancer Syndrome; Neoplastic Syndromes, Hereditary; Tumor predisposition. Identifiers: Orphanet 140162, MedGen C0027672, MeSH D009386, MONDO:0015356.

Submissions (2):

Ambry Genetics
Classification: Likely benign for Hereditary cancer-predisposing syndrome. Last evaluated: 2026-06-18. Review status: criteria provided, single submitter. Criteria: Ambry Variant Classification Scheme 2023. Collection method: clinical testing. Allele origin: germline.

Labcorp Genetics (formerly Invitae), Labcorp
Classification: Uncertain significance for Tuberous sclerosis 1. Last evaluated: 2022-11-08. Review status: criteria provided, single submitter. Criteria: Invitae Variant Classification Sherloc (09022015). Collection method: clinical testing. Allele origin: germline.
Comment: This sequence change replaces proline, which is neutral and non-polar, with serine, which is neutral and polar, at codon 412 of the TSC1 protein (p.Pro412Ser). This variant is not present in population databases (gnomAD no frequency). This variant has not been reported in the literature in individuals affected with TSC1-related conditions. Advanced modeling of protein sequence and biophysical properties (such as structural, functional, and spatial information, amino acid conservation, physicochemical variation, residue mobility, and thermodynamic stability) performed at Invitae indicates that this missense variant is not expected to disrupt TSC1 protein function. In summary, the available evidence is currently insufficient to determine the role of this variant in disease. Therefore, it has been classified as a Variant of Uncertain Significance.